The following is an entry in ClinVar:

ClinVar aggregate classification (germline): Likely pathogenic. Review status: criteria provided, multiple submitters, no conflicts (2 of 4 stars). 2 submissions from 2 submitters: Likely pathogenic (2). Last evaluated 2024-03-11.

Conditions:
GM1 gangliosidosis. Identifiers: Orphanet 354, MedGen C0085131, MONDO:0018149.
Mucopolysaccharidosis, MPS-IV-B (MPS4B). Also called: MORQUIO SYNDROME B; Mucopolysaccharidosis Type IVB (Morquio B Disease); Mucopolysaccharidosis type 4B; Mucopolysaccharidosis type IVB (Morquio); MPS IVB; Mucopolysaccharidosis type IV B. Identifiers: Orphanet 309310, Orphanet 582, MedGen C0086652, MONDO:0009660, OMIM 253010.

Allele frequency attached by ClinVar (database versions not stated): gnomAD exomes below 0.00001; ExAC 0.00001.
gnomAD v4.1: 1 of 1,614,084 alleles (0.000062%); highest among the groups gnomAD compares: Non-Finnish European, 0.000085%; no homozygotes.

Submissions (7):

Natera, Inc.
Classification: Likely pathogenic for Mucopolysaccharidosis, MPS-IV-B. Last evaluated: 2024-03-11. Review status: criteria provided, single submitter. Criteria: Natera Variant Classification Schema (03/2026). Collection method: clinical testing. Allele origin: germline.
Comment: The c.915-1G>T variant in GLB1 is a canonical splice acceptor site variant predicted to affect pre-mRNA splicing, which may result in an abnormal transcript and altered protein product. This variant is expected to result in nonsense mediated decay, truncation, or a dysfunctional protein product. This variant is rare in the general population with a frequency below the threshold expected for the associated phenotype(s). Given the available evidence, this variant is classified as Likely Pathogenic.

Labcorp Genetics (formerly Invitae), Labcorp
Classification: Likely pathogenic for Mucopolysaccharidosis, MPS-IV-B; GM1 gangliosidosis. Last evaluated: 2021-08-01. Review status: criteria provided, single submitter. Criteria: Invitae Variant Classification Sherloc (09022015). Collection method: clinical testing. Allele origin: germline.
Comment: This sequence change affects an acceptor splice site in intron 8 of the GLB1 gene. It is expected to disrupt RNA splicing. Variants that disrupt the donor or acceptor splice site typically lead to a loss of protein function (PMID: 16199547), and loss-of-function variants in GLB1 are known to be pathogenic (PMID: 18524657). This variant is present in population databases (rs749020375, ExAC 0.002%). This variant has not been reported in the literature in individuals affected with GLB1-related conditions. Algorithms developed to predict the effect of sequence changes on RNA splicing suggest that this variant may disrupt the consensus splice site. In summary, the currently available evidence indicates that the variant is pathogenic, but additional data are needed to prove that conclusively. Therefore, this variant has been classified as Likely Pathogenic.

Dr. Peter K. Rogan Lab, Western University
No classification provided (evidence only). Condition: Thyroid cancer, nonmedullary, 1. Review status: no classification provided. Collection method: in vitro. Allele origin: not applicable. Functional consequence: skipped exon. Not counted in ClinVar's aggregate classification.

Dr. Peter K. Rogan Lab, Western University
No classification provided (evidence only). Condition: Nonpapillary renal cell carcinoma. Review status: no classification provided. Collection method: in vitro. Allele origin: not applicable. Functional consequence: retained intron. Not counted in ClinVar's aggregate classification.

Dr. Peter K. Rogan Lab, Western University
No classification provided (evidence only). Condition: Nonpapillary renal cell carcinoma. Review status: no classification provided. Collection method: in vitro. Allele origin: not applicable. Functional consequence: retained intron. Not counted in ClinVar's aggregate classification.

Dr. Peter K. Rogan Lab, Western University
No classification provided (evidence only). Condition: Nonpapillary renal cell carcinoma. Review status: no classification provided. Collection method: in vitro. Allele origin: not applicable. Functional consequence: retained intron. Not counted in ClinVar's aggregate classification.

Dr. Peter K. Rogan Lab, Western University
No classification provided (evidence only). Condition: Nonpapillary renal cell carcinoma. Review status: no classification provided. Collection method: in vitro. Allele origin: not applicable. Functional consequence: retained intron. Not counted in ClinVar's aggregate classification.

Literature cited by the submitters: PubMed 16199547 (cited by Labcorp Genetics (formerly Invitae), Labcorp); PubMed 18524657 (cited by Labcorp Genetics (formerly Invitae), Labcorp).

NM_000404.4(GLB1):c.915-1G>T

Gene: GLB1 (galactosidase beta 1; minus strand). Cytogenetic location: 3p22.3.
Variant type: single nucleotide variant.
Coding change: c.915-1G>T on transcript NM_000404.4 (MANE Select); the canonical splice acceptor site of the intron before coding-DNA position 915, G replaced by T.
Molecular consequence: splice acceptor variant.
Genome position (GRCh38, 1-based): chr3:33,051,799, C>A on the plus strand (G>T on the coding strand, the complement: GLB1 is on the minus strand). VCF-style: chr3-33051799-C-A. GRCh37 (hg19) VCF-style: chr3-33093291-C-A.
Other names: c.915-1G>T (NM_001393580.1, NM_000404.3); c.522-1G>T (NM_001135602.3); c.1059-1G>T (NM_001317040.2); c.825-1G>T (NM_001079811.3).
Identifiers: ClinVar variation 1480023 (VCV001480023.8), dbSNP rs749020375, ClinGen allele CA2299559.
Genomic context (GRCh38, chr3:33,051,799, plus strand): 5'-GATATTAAAGTGCTCTTACCATTCCAATAGGCAAAATTGGTCCCACCTATAAACATGTAC[C>A]TACAAGGAAACAAAAGAACACGGTACTTCACTGTGAGCCCATGGCTACTGAGGGCACCCT-3'